The following is an entry in ClinVar:

ClinVar aggregate classification (germline): Likely benign (1 of 4 stars; one submission).

Allele frequency attached by ClinVar (database versions not stated): ExAC 0.00002; gnomAD 0.00003.

Submission:

CeGaT Center for Human Genetics Tuebingen
Classification: Likely benign. Last evaluated: 2022-10-01. Review status: criteria provided, single submitter. Criteria: CeGaT Center For Human Genetics Tuebingen Variant Classification Criteria Version 2. Collection method: clinical testing. Allele origin: germline. Affected: yes. Observed: 1 variant allele.
Comment: ZNF443: BP4, BP7

NM_005815.5(ZNF443):c.1845G>A (p.Pro615=)

Gene: ZNF443 (zinc finger protein 443; minus strand). Cytogenetic location: 19p13.2.
Variant type: single nucleotide variant.
Coding change: c.1845G>A on transcript NM_005815.5 (MANE Select); coding-DNA position 1845, G replaced by A.
Protein change: p.Pro615=; no amino-acid change (proline 615 retained).
Molecular consequence: synonymous variant.
Genome position (GRCh38, 1-based): chr19:12,430,327, C>T on the plus strand (G>A on the coding strand, the complement: ZNF443 is on the minus strand). VCF-style: chr19-12430327-C-T. GRCh37 (hg19) VCF-style: chr19-12541141-C-T.
Identifiers: ClinVar variation 2649340 (VCV002649340.24), dbSNP rs767987589, ClinGen allele CA9223832.
Genomic context (GRCh38, chr19:12,430,327, plus strand): 5'-TTTATGTCTATGCAAGGAACTGAGAGAAGCAAATGCTTTCCCACATTCCTTACATTCATA[C>T]GGGTTCTCTCCAGTATGAGTTTTTTCATGTCCTTGAAGAAAACGGGAATGAGTGAAGGCT-3'
Protein context (NP_005806.3, residues 605-625): GHEKTHTGEN[Pro615=]YECKECGKAF